The following is an entry in ClinVar:

NM_000302.4(PLOD1):c.1632A>T (p.Ala544=)

Gene: PLOD1 (procollagen-lysine,2-oxoglutarate 5-dioxygenase 1; plus strand). Cytogenetic location: 1p36.22.
Variant type: single nucleotide variant.
Coding change: c.1632A>T on transcript NM_000302.4 (MANE Select); coding-DNA position 1632, A replaced by T.
Protein change: p.Ala544=; no amino-acid change (alanine 544 retained).
Molecular consequence: synonymous variant.
Genome position (GRCh38, 1-based): chr1:11,966,298, A>T. VCF-style: chr1-11966298-A-T. GRCh37 (hg19) VCF-style: chr1-12026355-A-T.
Other names: p.Ala544=; c.1773A>T, p.Ala591= (NM_001316320.2).
Identifiers: ClinVar variation 1776856 (VCV001776856.7), dbSNP rs2230898, ClinGen allele CA598489.

ClinVar aggregate classification (germline): Likely benign. Review status: criteria provided, multiple submitters, no conflicts (2 of 4 stars). 4 submissions from 4 submitters: Likely benign (4). Last evaluated 2025-08-31.

Conditions:
Ehlers-Danlos syndrome, kyphoscoliotic type 1 (EDSKSCL1). Also called: EHLERS-DANLOS SYNDROME, TYPE VIA; Ehlers-Danlos syndrome, hydroxylysine-deficient; EHLERS-DANLOS SYNDROME, OCULAR-SCOLIOTIC TYPE; PLOD1-Related Kyphoscoliotic Ehlers-Danlos Syndrome. Identifiers: Orphanet 1900, MedGen C0268342, MONDO:0016002, OMIM 225400. Disease mechanism: loss of function.
Familial thoracic aortic aneurysm and aortic dissection (TAAD). Also called: Thoracic aortic aneurysms and dissections. Identifiers: Orphanet 91387, MedGen C4707243, MONDO:0019625.

gnomAD v4.1: 12 of 1,606,960 alleles (0.00075%); highest among the groups gnomAD compares: East Asian, 0.022%; no homozygotes.

Submissions (4):

Labcorp Genetics (formerly Invitae), Labcorp
Classification: Likely benign for Ehlers-Danlos syndrome, kyphoscoliotic type 1. Last evaluated: 2025-08-31. Review status: criteria provided, single submitter. Criteria: Invitae Variant Classification Sherloc (09022015). Collection method: clinical testing. Allele origin: germline.

Women's Health and Genetics/Laboratory Corporation of America, LabCorp
Classification: Likely benign. Last evaluated: 2025-05-02. Review status: criteria provided, single submitter. Criteria: LabCorp Variant Classification Summary - May 2015. Collection method: clinical testing. Allele origin: germline.

Mayo Clinic Laboratories, Mayo Clinic
Classification: Likely benign. Last evaluated: 2025-05-01. Review status: criteria provided, single submitter. Criteria: ACMG Guidelines, 2015. Collection method: clinical testing. Allele origin: germline. Observed: 1 variant allele.
Comment: BP4, BP7

Ambry Genetics
Classification: Likely benign for Familial thoracic aortic aneurysm and aortic dissection. Last evaluated: 2020-10-08. Review status: criteria provided, single submitter. Criteria: Ambry Variant Classification Scheme 2023. Collection method: clinical testing. Allele origin: germline.